The following is an entry in ClinVar:

ClinVar aggregate classification (germline): Likely pathogenic (1 of 4 stars; one submission).

Allele frequency attached by ClinVar (database versions not stated): ESP Exome Variant Server 0.00008.
gnomAD v4.1: 3 of 1,539,952 alleles (0.00019%); highest among the groups gnomAD compares: Non-Finnish European, 0.00018%; no homozygotes.

Submission:

Labcorp Genetics (formerly Invitae), Labcorp
Classification: Likely pathogenic. Last evaluated: 2022-05-07. Review status: criteria provided, single submitter. Criteria: Invitae Variant Classification Sherloc (09022015). Collection method: clinical testing. Allele origin: germline.
Comment: This sequence change affects a donor splice site in intron 15 of the SLC12A3 gene. It is expected to disrupt RNA splicing. Variants that disrupt the donor or acceptor splice site typically lead to a loss of protein function (PMID: 16199547), and loss-of-function variants in SLC12A3 are known to be pathogenic (PMID: 20848653, 22009145, 25841442). In summary, the currently available evidence indicates that the variant is pathogenic, but additional data are needed to prove that conclusively. Therefore, this variant has been classified as Likely Pathogenic. Algorithms developed to predict the effect of sequence changes on RNA splicing suggest that this variant may disrupt the consensus splice site. This variant has not been reported in the literature in individuals affected with SLC12A3-related conditions. This variant is not present in population databases (gnomAD no frequency).

Literature cited by the submitters: PubMed 16199547; PubMed 20848653; PubMed 22009145; PubMed 25841442.

NM_001126108.2(SLC12A3):c.1925+2T>A

Gene: SLC12A3 (solute carrier family 12 member 3; plus strand). Cytogenetic location: 16q13.
Variant type: single nucleotide variant.
Coding change: c.1925+2T>A on transcript NM_001126108.2 (MANE Select); the canonical splice donor site of the intron after coding-DNA position 1925, T replaced by A.
Molecular consequence: splice donor variant.
Genome position (GRCh38, 1-based): chr16:56,885,366, T>A. VCF-style: chr16-56885366-T-A. GRCh37 (hg19) VCF-style: chr16-56919278-T-A.
Other names: c.1925+2T>A (NM_000339.3); c.1922+2T>A (NM_001126107.2, NM_001410896.1).
Identifiers: ClinVar variation 2135063 (VCV002135063.4), dbSNP rs375137925, ClinGen allele CA281505381.